The following is an entry in ClinVar:

ClinVar aggregate classification (germline): Pathogenic (1 of 4 stars; one submission).

Conditions:
Atransferrinemia. Also called: Familial hypotransferrinemia. Identifiers: Orphanet 1195, MedGen C0521802, MONDO:0008846, OMIM 209300, HP:0012239.

gnomAD v4.1: 2 of 1,614,228 alleles (0.00012%); highest among the groups gnomAD compares: Non-Finnish European, 0.00017%; no homozygotes.

Submission:

Myriad Genetics, Inc.
Classification: Pathogenic for Atransferrinemia. Last evaluated: 2025-09-04. Review status: criteria provided, single submitter. Criteria: Myriad Autosomal Dominant, Autosomal Recessive and X-Linked Classification Criteria (2023). Collection method: clinical testing. Allele origin: unknown.
Comment: NM_001063.3(TF):c.766G>T(E256*) is expected to be pathogenic in the context of atransferrinemia. This variant is predicted to lead to an abnormal or absent protein product due to the creation of a premature termination codon in TF, a gene where loss-of-function variants are known to be pathogenic. Please note: this variant was assessed in the context of healthy population screening.

NM_001063.4(TF):c.766G>T (p.Glu256Ter)

Gene: TF (transferrin; plus strand). Cytogenetic location: 3q22.1.
Variant type: single nucleotide variant.
Coding change: c.766G>T on transcript NM_001063.4 (MANE Select); coding-DNA position 766, G replaced by T.
Protein change: p.Glu256Ter; replaces glutamic acid 256 with a stop codon.
Molecular consequence: nonsense.
Genome position (GRCh38, 1-based): chr3:133,756,905, G>T. VCF-style: chr3-133756905-G-T. GRCh37 (hg19) VCF-style: chr3-133475749-G-T.
Other names: c.634G>T, p.Glu212Ter (NM_001354703.2); c.385G>T, p.Glu129Ter (NM_001354704.2); short protein forms E129*, E212*, E256*.
Identifiers: ClinVar variation 5014940 (VCV005014940.1).